The following is an entry in ClinVar:

NM_032444.4(SLX4):c.424G>C (p.Gly142Arg)

Gene: SLX4 (SLX4 structure-specific endonuclease subunit; minus strand). Cytogenetic location: 16p13.3.
Variant type: single nucleotide variant.
Coding change: c.424G>C on transcript NM_032444.4 (MANE Select); coding-DNA position 424, G replaced by C.
Protein change: p.Gly142Arg; replaces glycine 142 with arginine.
Molecular consequence: missense variant.
Genome position (GRCh38, 1-based): chr16:3,608,541, C>G on the plus strand (G>C on the coding strand, the complement: SLX4 is on the minus strand). VCF-style: chr16-3608541-C-G. GRCh37 (hg19) VCF-style: chr16-3658542-C-G.
Other names: c.424G>C (NM_032444.2); short protein forms G142R.
Identifiers: ClinVar variation 1357157 (VCV001357157.9), dbSNP rs773117024, ClinGen allele CA7866877.
Genomic context (GRCh38, chr16:3,608,541, plus strand): 5'-TCTGGGTGTTTTGTGCTGTTTCCCGGAGCACAGGTGGATCTGGAGCAGAGGCAAGCACAC[C>G]CCCCTCCCCATTCACAGAGTGGGCCGGTTCACTTGCTTGCCATTTGGTTACCCTTTGCTT-3'
Protein context (NP_115820.2, residues 132-152): EPAHSVNGEG[Gly142Arg]VLASAPDPPV

ClinVar aggregate classification (germline): Uncertain significance. Review status: criteria provided, multiple submitters, no conflicts (2 of 4 stars). 2 submissions from 2 submitters: Uncertain significance (2). Last evaluated 2022-01-03.

Conditions:
Inborn genetic diseases. Identifiers: MedGen C0950123, MeSH D030342.
Fanconi anemia (FA). Also called: Fanconi's anemia. Identifiers: Orphanet 84, MedGen C0015625, MeSH D005199, MONDO:0019391.

Allele frequency attached by ClinVar (database versions not stated): TOPMed 0.00001; gnomAD exomes below 0.00001; ExAC 0.00001; gnomAD 0.00001.
gnomAD v4.1: 1 of 1,614,044 alleles (0.000062%); highest among the groups gnomAD compares: African/African-American, 0.0013%; no homozygotes.

Submissions (2):

Ambry Genetics
Classification: Uncertain significance for Inborn genetic diseases. Last evaluated: 2022-01-03. Review status: criteria provided, single submitter. Criteria: Ambry Variant Classification Scheme 2023. Collection method: clinical testing. Allele origin: germline.

Labcorp Genetics (formerly Invitae), Labcorp
Classification: Uncertain significance for Fanconi anemia. Last evaluated: 2021-04-14. Review status: criteria provided, single submitter. Criteria: Invitae Variant Classification Sherloc (09022015). Collection method: clinical testing. Allele origin: germline.
Comment: In summary, the available evidence is currently insufficient to determine the role of this variant in disease. Therefore, it has been classified as a Variant of Uncertain Significance. Algorithms developed to predict the effect of missense changes on protein structure and function output the following: SIFT: "Deleterious"; PolyPhen-2: "Benign"; Align-GVGD: "Class C0". The arginine amino acid residue is found in multiple mammalian species, suggesting that this missense change does not adversely affect protein function. These predictions have not been confirmed by published functional studies and their clinical significance is uncertain. This variant has not been reported in the literature in individuals with SLX4-related disease. This variant is present in population databases (rs773117024, ExAC 0.01%). This sequence change replaces glycine with arginine at codon 142 of the SLX4 protein (p.Gly142Arg). The glycine residue is weakly conserved and there is a moderate physicochemical difference between glycine and arginine.